The following is an entry in ClinVar:

ClinVar aggregate classification (germline): Uncertain significance. Review status: criteria provided, multiple submitters, no conflicts (2 of 4 stars). 2 submissions from 2 submitters: Uncertain significance (2). Last evaluated 2024-10-15.

Conditions:
Hereditary cancer-predisposing syndrome. Also called: Hereditary Cancer Syndrome; Tumor predisposition; Neoplastic Syndromes, Hereditary; Hereditary neoplastic syndrome. Identifiers: Orphanet 140162, MedGen C0027672, MeSH D009386, MONDO:0015356.
Ataxia-telangiectasia syndrome (AT). Also called: ATAXIA-TELANGIECTASIA, FRESNO VARIANT; Ataxia-telangiectasia, complementation group E; Ataxia telangiectasia (A-T); Cerebello-oculocutaneous telangiectasia; Immunodeficiency with ataxia telangiectasia; LOUIS-BAR SYNDROME. Identifiers: Orphanet 100, MedGen C0004135, MONDO:0008840, OMIM 208900.

Allele frequency attached by ClinVar (database versions not stated): gnomAD exomes below 0.00001; gnomAD 0.00001.
gnomAD v4.1: 2 of 1,612,888 alleles (0.00012%); highest among the groups gnomAD compares: African/African-American, 0.0013%; no homozygotes.

Submissions (2):

Ambry Genetics
Classification: Uncertain significance for Hereditary cancer-predisposing syndrome. Last evaluated: 2024-10-15. Review status: criteria provided, single submitter. Criteria: Ambry Variant Classification Scheme 2023. Collection method: clinical testing. Allele origin: germline.
Comment: The p.I1473V variant (also known as c.4417A>G), located in coding exon 28 of the ATM gene, results from an A to G substitution at nucleotide position 4417. The isoleucine at codon 1473 is replaced by valine, an amino acid with highly similar properties. This amino acid position is conserved. In addition, this alteration is predicted to be tolerated by in silico analysis. Based on the available evidence, the clinical significance of this variant remains unclear.

Labcorp Genetics (formerly Invitae), Labcorp
Classification: Uncertain significance for Ataxia-telangiectasia syndrome. Last evaluated: 2021-01-19. Review status: criteria provided, single submitter. Criteria: Invitae Variant Classification Sherloc (09022015). Collection method: clinical testing. Allele origin: germline.
Comment: In summary, the available evidence is currently insufficient to determine the role of this variant in disease. Therefore, it has been classified as a Variant of Uncertain Significance. Algorithms developed to predict the effect of missense changes on protein structure and function (SIFT, PolyPhen-2, Align-GVGD) all suggest that this variant is likely to be tolerated, but these predictions have not been confirmed by published functional studies and their clinical significance is uncertain. This variant has not been reported in the literature in individuals with ATM-related disease. This variant is not present in population databases (ExAC no frequency). This sequence change replaces isoleucine with valine at codon 1473 of the ATM protein (p.Ile1473Val). The isoleucine residue is moderately conserved and there is a small physicochemical difference between isoleucine and valine.

NM_000051.4(ATM):c.4417A>G (p.Ile1473Val)

Gene: ATM (ATM serine/threonine kinase; plus strand). Cytogenetic location: 11q22.3.
Variant type: single nucleotide variant.
Coding change: c.4417A>G on transcript NM_000051.4 (MANE Select); coding-DNA position 4417, A replaced by G.
Protein change: p.Ile1473Val; replaces isoleucine 1473 with valine.
Molecular consequence: missense variant.
Genome position (GRCh38, 1-based): chr11:108,289,782, A>G. VCF-style: chr11-108289782-A-G. GRCh37 (hg19) VCF-style: chr11-108160509-A-G.
Other names: c.4417A>G, p.Ile1473Val (NM_001351834.2); short protein forms I1473V.
Identifiers: ClinVar variation 651347 (VCV000651347.9), dbSNP rs1565456980, ClinGen allele CA382532253.